The following is an entry in ClinVar:

ClinVar aggregate classification (germline): Uncertain significance (1 of 4 stars; one submission).

Conditions:
Parenti-mignot neurodevelopmental syndrome. Identifiers: MedGen C5676984, MONDO:0859249, OMIM 619873.

Submission:

Dasa
Classification: Uncertain significance for Parenti-mignot neurodevelopmental syndrome. Last evaluated: 2026-02-26. Review status: criteria provided, single submitter. Criteria: DASA Assertion Criteria. Collection method: clinical testing. Allele origin: germline.
Comment: NM_015557.3(CHD5):c.1750_1751delinsTC (p.Arg584Ser) is an in-frame insertion/deletion-insertion predicted to alter the protein sequence without shifting the reading frame. This variant is rare in population databases. Computational prediction algorithms are consistent with a deleterious effect. The currently available literature and clinical evidence are not sufficient to establish a definitive association between this variant and the reported condition. Therefore, this variant is classified as a variant of uncertain significance.

NM_015557.3(CHD5):c.1750_1751delinsTC (p.Arg584Ser)

Gene: CHD5 (chromodomain helicase DNA binding protein 5; minus strand). Cytogenetic location: 1p36.31.
Variant type: Indel.
Coding change: c.1750_1751delinsTC on transcript NM_015557.3 (MANE Select); coding-DNA positions 1750 to 1751, CG replaced by TC.
Protein change: p.Arg584Ser; replaces arginine 584 with serine.
Molecular consequence: missense variant.
Genome position (GRCh38, 1-based): chr1:6,146,263-6,146,264, CG replaced by GA on the plus strand (CG replaced by TC on the coding strand, the reverse complement: CHD5 is on the minus strand). VCF-style: chr1-6146263-CG-GA. GRCh37 (hg19) VCF-style: chr1-6206323-CG-GA.
Other names: short protein forms R584S.
Identifiers: ClinVar variation 4883974 (VCV004883974.2).